The following is an entry in ClinVar:

ClinVar aggregate classification (germline): Conflicting classifications of pathogenicity. Review status: criteria provided, conflicting classifications (1 of 4 stars). 4 submissions from 4 submitters: Uncertain significance (3); Likely benign (1). Last evaluated 2025-12-15.

Conditions:
Hereditary cancer-predisposing syndrome. Also called: Hereditary Cancer Syndrome; Hereditary neoplastic syndrome; Neoplastic Syndromes, Hereditary; Tumor predisposition. Identifiers: Orphanet 140162, MedGen C0027672, MeSH D009386, MONDO:0015356.
BAP1-related tumor predisposition syndrome (TPDS1). Also called: COMMON Syndrome; TUMOR PREDISPOSITION SYNDROME 1; BAP1 tumor predisposition syndrome; Tumor susceptibility linked to germline BAP1 mutations. Identifiers: Orphanet 289539, MedGen C3280492, MONDO:0013692, OMIM 614327.

Submissions (4):

Color Diagnostics, LLC DBA Color Health
Classification: Uncertain significance for Hereditary cancer-predisposing syndrome. Last evaluated: 2025-12-15. Review status: criteria provided, single submitter. Criteria: ACMG Guidelines, 2015. Collection method: clinical testing. Allele origin: germline.
Comment: This missense variant replaces glycine with aspartic acid at codon 431 of the BAP1 protein. Computational prediction suggests that this variant may not impact protein structure and function. To our knowledge, functional studies have not been reported for this variant. This variant has not been reported in individuals affected with BAP1-related disorders in the literature. This variant has not been identified in the general population by the Genome Aggregation Database (gnomAD). The available evidence is insufficient to determine the role of this variant in disease conclusively. Therefore, this variant is classified as a Variant of Uncertain Significance.

Ambry Genetics
Classification: Likely benign for Hereditary cancer-predisposing syndrome. Last evaluated: 2024-04-22. Review status: criteria provided, single submitter. Criteria: Ambry Variant Classification Scheme 2023. Collection method: clinical testing. Allele origin: germline.

Baylor Genetics
Classification: Uncertain significance for BAP1-related tumor predisposition syndrome. Last evaluated: 2023-06-09. Review status: criteria provided, single submitter. Criteria: ACMG Guidelines, 2015. Collection method: clinical testing. Allele origin: unknown.

Labcorp Genetics (formerly Invitae), Labcorp
Classification: Uncertain significance for BAP1-related tumor predisposition syndrome. Last evaluated: 2022-07-31. Review status: criteria provided, single submitter. Criteria: Invitae Variant Classification Sherloc (09022015). Collection method: clinical testing. Allele origin: germline.
Comment: In summary, the available evidence is currently insufficient to determine the role of this variant in disease. Therefore, it has been classified as a Variant of Uncertain Significance. Algorithms developed to predict the effect of missense changes on protein structure and function (SIFT, PolyPhen-2, Align-GVGD) all suggest that this variant is likely to be tolerated. This variant has not been reported in the literature in individuals affected with BAP1-related conditions. This variant is not present in population databases (gnomAD no frequency). This sequence change replaces glycine, which is neutral and non-polar, with aspartic acid, which is acidic and polar, at codon 431 of the BAP1 protein (p.Gly431Asp).

NM_004656.4(BAP1):c.1292G>A (p.Gly431Asp)

Gene: BAP1 (BRCA1 associated deubiquitinase 1; minus strand). Cytogenetic location: 3p21.1.
Variant type: single nucleotide variant.
Coding change: c.1292G>A on transcript NM_004656.4 (MANE Select); coding-DNA position 1292, G replaced by A.
Protein change: p.Gly431Asp; replaces glycine 431 with aspartic acid.
Molecular consequence: missense variant.
Genome position (GRCh38, 1-based): chr3:52,403,853, C>T on the plus strand (G>A on the coding strand, the complement: BAP1 is on the minus strand). VCF-style: chr3-52403853-C-T. GRCh37 (hg19) VCF-style: chr3-52437869-C-T.
Other names: c.1238G>A, p.Gly413Asp (NM_001410772.1); short protein forms G431D, G413D.
Identifiers: ClinVar variation 1769140 (VCV001769140.10), dbSNP rs2471330251, ClinGen allele CA353102297.